The following is an entry in ClinVar:

ClinVar aggregate classification (germline): Conflicting classifications of pathogenicity. Review status: criteria provided, conflicting classifications (1 of 4 stars). 4 submissions from 4 submitters: Pathogenic (1); Likely pathogenic (2); Uncertain significance (1). Last evaluated 2025-07-15.

Conditions:
Hereditary cancer-predisposing syndrome. Also called: Neoplastic Syndromes, Hereditary; Hereditary Cancer Syndrome; Tumor predisposition; Hereditary neoplastic syndrome. Identifiers: Orphanet 140162, MedGen C0027672, MeSH D009386, MONDO:0015356.
Ataxia-telangiectasia syndrome (AT). Also called: Ataxia-telangiectasia, complementation group D; AT, COMPLEMENTATION GROUP C; Ataxia-telangiectasia, complementation group E; Cerebello-oculocutaneous telangiectasia; Immunodeficiency with ataxia telangiectasia; ATAXIA-TELANGIECTASIA, COMPLEMENTATION GROUP A. Identifiers: Orphanet 100, MedGen C0004135, MONDO:0008840, OMIM 208900.

Submissions (4):

Women's Health and Genetics/Laboratory Corporation of America, LabCorp
Classification: Uncertain significance. Last evaluated: 2025-07-15. Review status: criteria provided, single submitter. Criteria: LabCorp Variant Classification Summary - May 2015. Collection method: clinical testing. Allele origin: germline.
Comment: Variant summary: ATM c.4775A>G (p.Glu1592Gly) results in a non-conservative amino acid change in the encoded protein sequence. Algorithms developed to predict the effect of missense changes on protein structure and function are either unavailable or do not agree on the potential impact of this missense change. Several computational tools predict a significant impact on normal splicing: Three predict the variant abolishes or weakens a 5' splicing donor site. However, these predictions have yet to be confirmed by functional studies. The variant was absent in 249594 control chromosomes. The available data on variant occurrences in the general population are insufficient to allow any conclusion about variant significance. c.4775A>G has been observed in individuals affected with breast cancer or ALK-positive non-small cell lung cancer without evidence of causality (e.g. Kang_2018, Sandoval_2021). These report(s) do not provide unequivocal conclusions about association of the variant with Ataxia-telangiectasia syndrome. To our knowledge, no experimental evidence demonstrating an impact on protein function has been reported. The following publications have been ascertained in the context of this evaluation (PMID: 29978950, 33606809). ClinVar contains an entry for this variant (Variation ID: 584790). Based on the evidence outlined above, the variant was classified as uncertain significance.

Mendelics
Classification: Likely pathogenic for Ataxia-telangiectasia syndrome. Last evaluated: 2025-02-05. Review status: criteria provided, single submitter. Criteria: Mendelics Assertion Criteria 2017. Collection method: clinical testing. Allele origin: unknown.
Comment: The c.4775A>G variant leads to a replacement of amino acid glutamate with glycine, at codon 1592 of the ATM protein (p.Glu1592Gly). It has been previously reported in individuals with breast cancer (PMID: 33606809). In silico analysis predicts that this alteration will weaken the native splice donor site. ClinVar has two entries by two independent laboratories stating that their RNA studies have shown that this variant causes abnormal splicing. Other variants that disrupt at the same splice site have been shown to be pathogenic in homozygous or compound heterozygous state in multiple patients with ataxia-telangiectasia (PMID: 12815592, 9497252, 9600235, 9711876, 31050087, 20840352). Therefore the available evidence suggests that this variant is likely to be pathogenic.

Ambry Genetics
Classification: Likely pathogenic for Hereditary cancer-predisposing syndrome. Last evaluated: 2023-12-13. Review status: criteria provided, single submitter. Criteria: Ambry Variant Classification Scheme 2023. Collection method: clinical testing. Allele origin: germline.
Comment: The c.4775A>G variant (also known as p.E1592G), located in coding exon 30 of the ATM gene, results from an A to G substitution at nucleotide position 4775. The glutamic acid at codon 1592 is replaced by glycine, an amino acid with similar properties. This variant was detected in a cohort of 224 unrelated Brazilian individuals with breast cancer (Sandoval RL et al. PLoS One, 2021 Feb;16:e0247363). This nucleotide position is highly conserved in available vertebrate species. In silico splice site analysis predicts that this alteration will weaken the native splice donor site. RNA studies have demonstrated that this alteration results in abnormal splicing in the set of samples tested (Ambry internal data). Based on the majority of available evidence to date, this variant is likely to be pathogenic.

Labcorp Genetics (formerly Invitae), Labcorp
Classification: Pathogenic for Ataxia-telangiectasia syndrome. Last evaluated: 2023-10-30. Review status: criteria provided, single submitter. Criteria: Invitae Variant Classification Sherloc (09022015). Collection method: clinical testing. Allele origin: germline.
Comment: This sequence change replaces glutamic acid, which is acidic and polar, with glycine, which is neutral and non-polar, at codon 1592 of the ATM protein (p.Glu1592Gly). RNA analysis indicates that this missense change induces altered splicing and likely results in a shortened protein product. This variant is not present in population databases (gnomAD no frequency). This variant has not been reported in the literature in individuals affected with ATM-related conditions. ClinVar contains an entry for this variant (Variation ID: 584790). An algorithm developed to predict the effect of missense changes on protein structure and function (PolyPhen-2) suggests that this variant is likely to be disruptive. Studies have shown that this missense change results in skipping of 31, but is expected to preserve the integrity of the reading-frame (Invitae). Other variant(s) that result in skipping of exon 31 have been determined to be pathogenic (PMID: 2491181, 9497252, 9711876; Invitae). This suggests that this variant may also be clinically significant and likely to be disease-causing. For these reasons, this variant has been classified as Pathogenic.

Literature cited by the submitters: PubMed 33606809 (cited by Women's Health and Genetics/Laboratory Corporation of America, LabCorp and Ambry Genetics); PubMed 29978950 (cited by Women's Health and Genetics/Laboratory Corporation of America, LabCorp); PubMed 2491181 (cited by Labcorp Genetics (formerly Invitae), Labcorp); PubMed 9497252 (cited by Labcorp Genetics (formerly Invitae), Labcorp); PubMed 9711876 (cited by Labcorp Genetics (formerly Invitae), Labcorp).

NM_000051.4(ATM):c.4775A>G (p.Glu1592Gly)

Gene: ATM (ATM serine/threonine kinase; plus strand). Cytogenetic location: 11q22.3.
Variant type: single nucleotide variant.
Coding change: c.4775A>G on transcript NM_000051.4 (MANE Select); coding-DNA position 4775, A replaced by G.
Protein change: p.Glu1592Gly; replaces glutamic acid 1592 with glycine.
Molecular consequence: missense variant.
Genome position (GRCh38, 1-based): chr11:108,293,476, A>G. VCF-style: chr11-108293476-A-G. GRCh37 (hg19) VCF-style: chr11-108164203-A-G.
Other names: c.4775A>G, p.Glu1592Gly (NM_001351834.2); short protein forms E1592G.
Identifiers: ClinVar variation 584790 (VCV000584790.14), dbSNP rs1565463405, ClinGen allele CA382535214.